The following is an entry in ClinVar:

NM_003002.4(SDHD):c.293C>T (p.Ala98Val)

Gene: SDHD (succinate dehydrogenase complex subunit D; plus strand). Cytogenetic location: 11q23.1.
Variant type: single nucleotide variant.
Coding change: c.293C>T on transcript NM_003002.4 (MANE Select); coding-DNA position 293, C replaced by T.
Protein change: p.Ala98Val; replaces alanine 98 with valine.
Molecular consequence: missense variant. On other transcripts: non-coding transcript variant (1), intron variant (1).
Genome position (GRCh38, 1-based): chr11:112,088,990, C>T. VCF-style: chr11-112088990-C-T. GRCh37 (hg19) VCF-style: chr11-111959714-C-T.
Other names: c.176C>T, p.Ala59Val (NM_001276504.2); c.293C>T, p.Ala98Val (NM_001276506.2); c.169+1017C>T (NM_001276503.2); short protein forms A98V, A59V.
Identifiers: ClinVar variation 412509 (VCV000412509.8), dbSNP rs200980609, ClinGen allele CA071028.
Genomic context (GRCh38, chr11:112,088,990, plus strand): 5'-GTCTGCTTCCGGCTGCTTATTTGAATCCTTGCTCTGCGATGGACTATTCCCTGGCTGCAG[C>T]CCTCACTCTTCATGGTCACTGGCAAGTATAGCAATTCCAAATATAGTTGTCTGCTCAGTT-3'
Protein context (NP_002993.1, residues 88-108): CSAMDYSLAA[Ala98Val]LTLHGHWGLG

ClinVar aggregate classification (germline): Uncertain significance. Review status: criteria provided, multiple submitters, no conflicts (2 of 4 stars). 2 submissions from 2 submitters: Uncertain significance (2). Last evaluated 2025-07-31.

Conditions:
Pheochromocytoma. Also called: MAX-Related Hereditary Paraganglioma-Pheochromocytoma Syndrome. Identifiers: Orphanet 29072, MedGen C0031511, MONDO:0008233, OMIM 171300, HP:0002666.
Carney-Stratakis syndrome. Also called: PARAGANGLIOMA AND GASTROINTESTINAL STROMAL TUMOR. Identifiers: Orphanet 97286, MedGen C1847319, MONDO:0011740, OMIM 606864.
Paragangliomas with sensorineural hearing loss. Identifiers: MedGen C1868633.
Cowden syndrome 3 (CWS3). Identifiers: Orphanet 201, MedGen CN166604, MONDO:0014045.
Hereditary cancer-predisposing syndrome. Also called: Neoplastic Syndromes, Hereditary; Tumor predisposition; Hereditary Cancer Syndrome; Hereditary neoplastic syndrome. Identifiers: Orphanet 140162, MedGen C0027672, MeSH D009386, MONDO:0015356.

Allele frequency attached by ClinVar (database versions not stated): gnomAD 0.00001; gnomAD exomes 0.00001; ExAC 0.00002.

Submissions (2):

Labcorp Genetics (formerly Invitae), Labcorp
Classification: Uncertain significance for Carney-Stratakis syndrome; Paragangliomas with sensorineural hearing loss; Pheochromocytoma; Cowden syndrome 3. Last evaluated: 2025-07-31. Review status: criteria provided, single submitter. Criteria: Invitae Variant Classification Sherloc (09022015). Collection method: clinical testing. Allele origin: germline.
Comment: This sequence change replaces alanine, which is neutral and non-polar, with valine, which is neutral and non-polar, at codon 98 of the SDHD protein (p.Ala98Val). This variant is present in population databases (rs200980609, gnomAD 0.01%). This variant has not been reported in the literature in individuals affected with SDHD-related conditions. ClinVar contains an entry for this variant (Variation ID: 412509). Invitae Evidence Modeling of protein sequence and biophysical properties (such as structural, functional, and spatial information, amino acid conservation, physicochemical variation, residue mobility, and thermodynamic stability) indicates that this missense variant is not expected to disrupt SDHD protein function with a negative predictive value of 95%. In summary, the available evidence is currently insufficient to determine the role of this variant in disease. Therefore, it has been classified as a Variant of Uncertain Significance.

Ambry Genetics
Classification: Uncertain significance for Hereditary cancer-predisposing syndrome. Last evaluated: 2024-10-21. Review status: criteria provided, single submitter. Criteria: Ambry Variant Classification Scheme 2023. Collection method: clinical testing. Allele origin: germline.
Comment: The p.A98V variant (also known as c.293C>T), located in coding exon 3 of the SDHD gene, results from a C to T substitution at nucleotide position 293. The alanine at codon 98 is replaced by valine, an amino acid with similar properties. This amino acid position is not well conserved in available vertebrate species. In addition, the in silico prediction for this alteration is inconclusive. Since supporting evidence is limited at this time, the clinical significance of this alteration remains unclear.